The following is an entry in ClinVar:

ClinVar aggregate classification (germline): Uncertain significance (1 of 4 stars; one submission).

Conditions:
Hypertrophic cardiomyopathy. Also called: HYPERTROPHIC MYOCARDIOPATHY. Identifiers: Orphanet 217569, MedGen C0007194, MeSH D002312, MONDO:0005045, HP:0001639.

Submission:

Labcorp Genetics (formerly Invitae), Labcorp
Classification: Uncertain significance for Hypertrophic cardiomyopathy. Last evaluated: 2021-05-25. Review status: criteria provided, single submitter. Criteria: Invitae Variant Classification Sherloc (09022015). Collection method: clinical testing. Allele origin: germline.
Comment: In summary, the available evidence is currently insufficient to determine the role of this variant in disease. Therefore, it has been classified as a Variant of Uncertain Significance. Algorithms developed to predict the effect of sequence changes on RNA splicing suggest that this variant may disrupt the consensus splice site, but this prediction has not been confirmed by published transcriptional studies. This variant has not been reported in the literature in individuals with MYH7-related conditions. This variant is not present in population databases (ExAC no frequency). This sequence change falls in intron 20 of the MYH7 gene. It does not directly change the encoded amino acid sequence of the MYH7 protein.

NM_000257.4(MYH7):c.2287-7C>A

Genes: MYH7 (myosin heavy chain 7; minus strand), LOC126861898 (BRD4-independent group 4 enhancer GRCh37_chr14:23893609-23894808; plus strand). Cytogenetic location: 14q11.2.
Variant type: single nucleotide variant.
Coding change: c.2287-7C>A on transcript NM_000257.4 (MANE Select); 7 bases into the intron before coding-DNA position 2287, C replaced by A.
Molecular consequence: intron variant.
Genome position (GRCh38, 1-based): chr14:23,425,425, G>T on the plus strand (C>A on the coding strand, the complement: MYH7 is on the minus strand). VCF-style: chr14-23425425-G-T. GRCh37 (hg19) VCF-style: chr14-23894634-G-T.
Identifiers: ClinVar variation 1396372 (VCV001396372.8), dbSNP rs2138667360, ClinGen allele CA2573149869.